The following is an entry in ClinVar:

NM_000258.3(MYL3):c.289G>A (p.Gly97Arg)

Gene: MYL3 (myosin light chain 3; minus strand). Cytogenetic location: 3p21.31.
Variant type: single nucleotide variant.
Coding change: c.289G>A on transcript NM_000258.3 (MANE Select); coding-DNA position 289, G replaced by A.
Protein change: p.Gly97Arg; replaces glycine 97 with arginine.
Molecular consequence: missense variant.
Genome position (GRCh38, 1-based): chr3:46,860,694, C>T on the plus strand (G>A on the coding strand, the complement: MYL3 is on the minus strand). VCF-style: chr3-46860694-C-T. GRCh37 (hg19) VCF-style: chr3-46902184-C-T.
Other names: c.289G>A, p.Gly97Arg (NM_001406937.1, NM_001406938.1, NM_001406939.1); c.115G>A, p.Gly39Arg (NM_001406940.1, NM_001406941.1); short protein forms G97R, G39R.
Identifiers: ClinVar variation 3010329 (VCV003010329.4), dbSNP rs1701982222, ClinGen allele CA352497849.

ClinVar aggregate classification (germline): Uncertain significance. Review status: criteria provided, multiple submitters, no conflicts (2 of 4 stars). 2 submissions from 2 submitters: Uncertain significance (2). Last evaluated 2023-06-28.

Conditions:
Hypertrophic cardiomyopathy. Also called: HYPERTROPHIC MYOCARDIOPATHY. Identifiers: Orphanet 217569, MedGen C0007194, MeSH D002312, MONDO:0005045, HP:0001639.

Allele frequency attached by ClinVar (database versions not stated): TOPMed below 0.00001.

Submissions (2):

All of Us Research Program, National Institutes of Health
Classification: Uncertain significance for Hypertrophic cardiomyopathy. Last evaluated: 2023-06-28. Review status: criteria provided, single submitter. Criteria: ACMG Guidelines, 2015. Collection method: clinical testing. Allele origin: germline. Inheritance: Autosomal dominant inheritance. Observed: 1 variant allele, 1 heterozygote.
Comment: This study involves interpretation of variants in research participants for the purpose of population health screening. Participant phenotype was not available at the time of variant classification. Additional details can be found in publication PMID: 35346344, PMCID: PMC8962531

Labcorp Genetics (formerly Invitae), Labcorp
Classification: Uncertain significance for Hypertrophic cardiomyopathy. Last evaluated: 2022-11-14. Review status: criteria provided, single submitter. Criteria: Invitae Variant Classification Sherloc (09022015). Collection method: clinical testing. Allele origin: germline.
Comment: In summary, the available evidence is currently insufficient to determine the role of this variant in disease. Therefore, it has been classified as a Variant of Uncertain Significance. This sequence change replaces glycine, which is neutral and non-polar, with arginine, which is basic and polar, at codon 97 of the MYL3 protein (p.Gly97Arg). This variant is not present in population databases (gnomAD no frequency). This variant has not been reported in the literature in individuals affected with MYL3-related conditions. Algorithms developed to predict the effect of missense changes on protein structure and function are either unavailable or do not agree on the potential impact of this missense change (SIFT: "Deleterious"; PolyPhen-2: "Probably Damaging"; Align-GVGD: "Class C15").